The following is an entry in ClinVar:

ClinVar aggregate classification (germline): Conflicting classifications of pathogenicity. Review status: criteria provided, conflicting classifications (1 of 4 stars). 2 submissions from 2 submitters: Uncertain significance (1); Likely benign (1). Last evaluated 2026-01-20.

Allele frequency attached by ClinVar (database versions not stated): gnomAD exomes below 0.00001.
gnomAD v4.1: 2 of 1,613,126 alleles (0.00012%); highest among the groups gnomAD compares: African/African-American, 0.0027%; no homozygotes.

Submissions (2):

Labcorp Genetics (formerly Invitae), Labcorp
Classification: Uncertain significance. Last evaluated: 2026-01-20. Review status: criteria provided, single submitter. Criteria: Invitae Variant Classification Sherloc (09022015). Collection method: clinical testing. Allele origin: germline.
Comment: This sequence change replaces alanine, which is neutral and non-polar, with threonine, which is neutral and polar, at codon 28 of the NAF1 protein (p.Ala28Thr). This variant is not present in population databases (gnomAD no frequency). This variant has not been reported in the literature in individuals affected with NAF1-related conditions. ClinVar contains an entry for this variant (Variation ID: 2790298). An algorithm developed to predict the effect of missense changes on protein structure and function outputs the following: PolyPhen-2: "Benign". The threonine amino acid residue is found in multiple mammalian species, which suggests that this missense change does not adversely affect protein function. In summary, the available evidence is currently insufficient to determine the role of this variant in disease. Therefore, it has been classified as a Variant of Uncertain Significance.

Blueprint Genetics
Classification: Likely benign. Last evaluated: 2023-05-08. Review status: criteria provided, single submitter. Criteria: ACMG Guidelines, 2015. Collection method: clinical testing. Allele origin: germline.

NM_138386.3(NAF1):c.82G>A (p.Ala28Thr)

Gene: NAF1 (nuclear assembly factor 1 ribonucleoprotein; minus strand). Cytogenetic location: 4q32.2.
Variant type: single nucleotide variant.
Coding change: c.82G>A on transcript NM_138386.3 (MANE Select); coding-DNA position 82, G replaced by A.
Protein change: p.Ala28Thr; replaces alanine 28 with threonine.
Molecular consequence: missense variant.
Genome position (GRCh38, 1-based): chr4:163,166,646, C>T on the plus strand (G>A on the coding strand, the complement: NAF1 is on the minus strand). VCF-style: chr4-163166646-C-T. GRCh37 (hg19) VCF-style: chr4-164087798-C-T.
Other names: c.82G>A, p.Ala28Thr (NM_001128931.2); short protein forms A28T.
Identifiers: ClinVar variation 2790298 (VCV002790298.4), dbSNP rs2477360006, ClinGen allele CA358661986.